The following is an entry in ClinVar:

NM_001165963.4(SCN1A):c.4172A>G (p.Asn1391Ser)

Genes: SCN1A (sodium voltage-gated channel alpha subunit 1; minus strand), LOC102724058 (uncharacterized LOC102724058; plus strand). Cytogenetic location: 2q24.3.
Variant type: single nucleotide variant.
Coding change: c.4172A>G on transcript NM_001165963.4 (MANE Select); coding-DNA position 4172, A replaced by G.
Protein change: p.Asn1391Ser; replaces asparagine 1391 with serine.
Molecular consequence: missense variant. On other transcripts: non-coding transcript variant (1).
Genome position (GRCh38, 1-based): chr2:166,002,584, T>C on the plus strand (A>G on the coding strand, the complement: SCN1A is on the minus strand). VCF-style: chr2-166002584-T-C. GRCh37 (hg19) VCF-style: chr2-166859094-T-C.
Other names: c.4088A>G, p.Asn1363Ser (NM_001165964.3, NM_001353957.2, NM_001353958.2); c.4172A>G, p.Asn1391Ser (NM_001202435.3, NM_001353948.2); c.4139A>G, p.Asn1380Ser (NM_001353949.2, NM_001353950.2, NM_001353951.2 and 2 more transcripts); c.4136A>G, p.Asn1379Ser (NM_001353954.2, NM_001353955.2); c.4085A>G, p.Asn1362Ser (NM_001353960.2); c.1730A>G, p.Asn577Ser (NM_001353961.2); short protein forms N1380S, N1391S, N1362S, N1363S, N577S, N1379S.
Identifiers: ClinVar variation 449374 (VCV000449374.4), dbSNP rs1553525062, ClinGen allele CA349050192.

ClinVar aggregate classification (germline): Pathogenic (1 of 4 stars; one submission).

Submission:

GeneDx
Classification: Pathogenic. Last evaluated: 2025-01-24. Review status: criteria provided, single submitter. Criteria: GeneDx Variant Classification Process June 2021. Collection method: clinical testing. Allele origin: germline. Affected: yes.
Comment: Not observed at significant frequency in large population cohorts (gnomAD); In silico analysis supports that this missense variant has a deleterious effect on protein structure/function; In addition, in silico analysis supports a deleterious effect on splicing; This substitution is predicted to be within the extracellular loop between the S5 and S6 transmembrane segments of the third homologous domain.; This variant is associated with the following publications: (PMID: 18930999, 36158059, 32090326, 35074891)